The following is an entry in ClinVar:

NM_020297.4(ABCC9):c.3502C>T (p.Gln1168Ter)

Gene: ABCC9 (ATP binding cassette subfamily C member 9; minus strand). Cytogenetic location: 12p12.1.
Variant type: single nucleotide variant.
Coding change: c.3502C>T on transcript NM_020297.4 (MANE Select); coding-DNA position 3502, C replaced by T.
Protein change: p.Gln1168Ter; replaces glutamine 1168 with a stop codon.
Molecular consequence: nonsense.
Genome position (GRCh38, 1-based): chr12:21,838,142, G>A on the plus strand (C>T on the coding strand, the complement: ABCC9 is on the minus strand). VCF-style: chr12-21838142-G-A. GRCh37 (hg19) VCF-style: chr12-21991076-G-A.
Other names: c.3502C>T, p.Gln1168Ter (NM_001377273.1, NM_005691.4); c.2635C>T, p.Gln879Ter (NM_001377274.1); short protein forms Q1168*, Q879*.
Identifiers: ClinVar variation 1468668 (VCV001468668.1), dbSNP rs2137338402, ClinGen allele CA384140654.

ClinVar aggregate classification (germline): Uncertain significance (1 of 4 stars; one submission).

Conditions:
Dilated cardiomyopathy 1O (CMD1O). Also called: CARDIOMYOPATHY, DILATED, WITH VENTRICULAR TACHYCARDIA. Identifiers: Orphanet 154, MedGen C1837839, MONDO:0012062, OMIM 608569.

Submission:

Labcorp Genetics (formerly Invitae), Labcorp
Classification: Uncertain significance for Dilated cardiomyopathy 1O. Last evaluated: 2020-12-31. Review status: criteria provided, single submitter. Criteria: Invitae Variant Classification Sherloc (09022015). Collection method: clinical testing. Allele origin: germline.
Comment: This sequence change creates a premature translational stop signal (p.Gln1168*) in the ABCC9 gene. It is expected to result in an absent or disrupted protein product. However, the current clinical and genetic evidence is not sufficient to establish whether loss-of-function variants in ABCC9 cause disease. This variant is not present in population databases (ExAC no frequency). This variant has not been reported in the literature in individuals with ABCC9-related conditions. In summary, the available evidence is currently insufficient to determine the role of this variant in disease. Therefore, it has been classified as a Variant of Uncertain Significance.